The following is an entry in ClinVar:

ClinVar aggregate classification (germline): Uncertain significance. Review status: criteria provided, multiple submitters, no conflicts (2 of 4 stars). 2 submissions from 2 submitters: Uncertain significance (2). Last evaluated 2024-03-01.

Conditions:
Aicardi-Goutieres syndrome 7 (AGS7). Identifiers: Orphanet 51, MedGen C3888244, MONDO:0014367, OMIM 615846.
Singleton-Merten syndrome 1 (SGMRT1). Also called: Widened medullary cavities of bone, aortic calcification, abnormal dentition, and muscular weakness; Syndrome of widened medullary cavities of the metacarpals and phalanges, aortic calcification and abnormal dentition. Identifiers: Orphanet 85191, MedGen C4225427, MONDO:0024535, OMIM 182250.

Submissions (2):

Blueprint Genetics
Classification: Uncertain significance. Last evaluated: 2024-03-01. Review status: criteria provided, single submitter. Criteria: ACMG Guidelines, 2015. Collection method: clinical testing. Allele origin: germline.

Labcorp Genetics (formerly Invitae), Labcorp
Classification: Uncertain significance for Aicardi-Goutieres syndrome 7; Singleton-Merten syndrome 1. Last evaluated: 2023-08-11. Review status: criteria provided, single submitter. Criteria: Invitae Variant Classification Sherloc (09022015). Collection method: clinical testing. Allele origin: germline.
Comment: In summary, the available evidence is currently insufficient to determine the role of this variant in disease. Therefore, it has been classified as a Variant of Uncertain Significance. Algorithms developed to predict the effect of missense changes on protein structure and function output the following: SIFT: "Not Available"; PolyPhen-2: "Benign"; Align-GVGD: "Not Available". The leucine amino acid residue is found in multiple mammalian species, which suggests that this missense change does not adversely affect protein function. ClinVar contains an entry for this variant (Variation ID: 1393132). This variant has not been reported in the literature in individuals affected with IFIH1-related conditions. This variant is not present in population databases (gnomAD no frequency). This sequence change replaces arginine, which is basic and polar, with leucine, which is neutral and non-polar, at codon 374 of the IFIH1 protein (p.Arg374Leu).

NM_022168.4(IFIH1):c.1121G>T (p.Arg374Leu)

Gene: IFIH1 (interferon induced with helicase C domain 1; minus strand). Cytogenetic location: 2q24.2.
Variant type: single nucleotide variant.
Coding change: c.1121G>T on transcript NM_022168.4 (MANE Select); coding-DNA position 1121, G replaced by T.
Protein change: p.Arg374Leu; replaces arginine 374 with leucine.
Molecular consequence: missense variant.
Genome position (GRCh38, 1-based): chr2:162,282,551, C>A on the plus strand (G>T on the coding strand, the complement: IFIH1 is on the minus strand). VCF-style: chr2-162282551-C-A. GRCh37 (hg19) VCF-style: chr2-163139061-C-A.
Other names: short protein forms R374L.
Identifiers: ClinVar variation 1393132 (VCV001393132.9), dbSNP rs145520044, ClinGen allele CA349003149.